The following is an entry in ClinVar:

NM_001360016.2(G6PD):c.592C>A (p.Arg198Ser)

Gene: G6PD (glucose-6-phosphate dehydrogenase; minus strand). Cytogenetic location: Xq28.
Variant type: single nucleotide variant.
Coding change: c.592C>A on transcript NM_001360016.2 (MANE Select); coding-DNA position 592, C replaced by A.
Protein change: p.Arg198Ser; replaces arginine 198 with serine.
Molecular consequence: missense variant.
Genome position (GRCh38, 1-based): chrX:154,534,390, G>T on the plus strand (C>A on the coding strand, the complement: G6PD is on the minus strand). VCF-style: chrX-154534390-G-T. GRCh37 (hg19) VCF-style: chrX-153762605-G-T.
Other names: G6PD Herlev; c.682C>A, p.Arg228Ser (NM_000402.4); c.592C>A, p.Arg198Ser (NM_001042351.3); short protein forms R198S, R228S.
Identifiers: ClinVar variation 1722743 (VCV001722743.2), dbSNP rs137852330, ClinGen allele CA415237855.
Genomic context (GRCh38, chrX:154,534,390, plus strand): 5'-GGCCCCACCTCAGCACCATGAGGTTCTGCACCATCTCCTTGCCCAGGTAGTGGTCGATGC[G>T]GTAGATCTGGTCCTCACGGAACAGGGAGGAGATGTGGTTGGACAGCCGGTCAGAGCTCTG-3'
Protein context (NP_001346945.1, residues 188-208): SSLFREDQIY[Arg198Ser]IDHYLGKEMV

ClinVar aggregate classification (germline): Likely pathogenic (1 of 4 stars; one submission).

Conditions:
Anemia, nonspherocytic hemolytic, due to G6PD deficiency (CNSHA1). Also called: Hemolytic anemia due to G6PD deficiency; Class I glucose-6-phosphate dehydrogenase deficiency; Favism, susceptibility to; ANEMIA, CONGENITAL, NONSPHEROCYTIC HEMOLYTIC, 1. Identifiers: Orphanet 466026, MedGen C2720289, MONDO:0010480, OMIM 300908.

Submission:

Dunham Lab, University of Washington
Classification: Likely pathogenic for Anemia, nonspherocytic hemolytic, due to G6PD deficiency. Last evaluated: 2022-08-12. Review status: criteria provided, single submitter. Criteria: Bayesian ACMG Guidelines, 2018. Collection method: curation. Allele origin: de novo. Affected: yes.
Comment: Decreased activity in red blood cells of hemizygote (1%) (PS3). Not observed in gnomAD (PM2). Post_P 0.988 (odds of pathogenicity 729.3, Prior_P 0.1).

Literature cited by the submitters: PubMed 26479991.